The following is an entry in ClinVar:

ClinVar aggregate classification (germline): Likely benign. Review status: criteria provided, multiple submitters, no conflicts (2 of 4 stars). 2 submissions from 2 submitters: Likely benign (2). Last evaluated 2026-08-10.

Conditions:
PCDH15-related disorder. Also called: PCDH15-related disorders; PCDH15-related condition.

Allele frequency attached by ClinVar (database versions not stated): gnomAD 0.00001; TOPMed 0.00002; gnomAD exomes 0.00003 and 0.00008; ExAC 0.00006.
gnomAD v4.1: 20 of 1,613,590 alleles (0.0012%); highest among the groups gnomAD compares: Admixed American, 0.032%; no homozygotes.

Submissions (2):

PreventionGenetics, part of Exact Sciences
Classification: Likely benign for PCDH15-related condition. Last evaluated: 2026-08-10. Review status: criteria provided, single submitter. Criteria: ACMG Guidelines, 2015. Collection method: clinical testing. Allele origin: germline.
Comment: This variant is classified as likely benign based on ACMG/AMP sequence variant interpretation guidelines (Richards et al. 2015 PMID: 25741868, with internal and published modifications).

Labcorp Genetics (formerly Invitae), Labcorp
Classification: Likely benign. Last evaluated: 2025-12-14. Review status: criteria provided, single submitter. Criteria: Invitae Variant Classification Sherloc (09022015). Collection method: clinical testing. Allele origin: germline.

NM_001384140.1(PCDH15):c.1524C>G (p.Thr508=)

Gene: PCDH15 (protocadherin related 15; minus strand). Cytogenetic location: 10q21.1.
Variant type: single nucleotide variant.
Coding change: c.1524C>G on transcript NM_001384140.1 (MANE Select); coding-DNA position 1524, C replaced by G.
Protein change: p.Thr508=; no amino-acid change (threonine 508 retained).
Molecular consequence: synonymous variant.
Genome position (GRCh38, 1-based): chr10:54,183,510, G>C on the plus strand (C>G on the coding strand, the complement: PCDH15 is on the minus strand). VCF-style: chr10-54183510-G-C. GRCh37 (hg19) VCF-style: chr10-55943270-G-C.
Other names: c.1539C>G, p.Thr513= (NM_001142763.2, NM_001142771.2); c.1524C>G, p.Thr508= (NM_001142764.2, NM_001142765.2, NM_001142766.2 and 6 more transcripts); c.1413C>G, p.Thr471= (NM_001142767.2); c.1458C>G, p.Thr486= (NM_001142768.2, NM_001142773.2, NM_001354404.2); c.1560C>G, p.Thr520= (NM_001142769.4); c.1545C>G, p.Thr515= (NM_001354411.2).
Identifiers: ClinVar variation 724212 (VCV000724212.11), dbSNP rs778822897, ClinGen allele CA5506348.